The following is an entry in ClinVar:

NM_001853.4(COL9A3):c.269G>A (p.Arg90Gln)

Gene: COL9A3 (collagen type IX alpha 3 chain; plus strand). Cytogenetic location: 20q13.33.
Variant type: single nucleotide variant.
Coding change: c.269G>A on transcript NM_001853.4 (MANE Select); coding-DNA position 269, G replaced by A.
Protein change: p.Arg90Gln; replaces arginine 90 with glutamine.
Molecular consequence: missense variant.
Genome position (GRCh38, 1-based): chr20:62,819,942, G>A. VCF-style: chr20-62819942-G-A. GRCh37 (hg19) VCF-style: chr20-61451294-G-A.
Other names: c.269G>A (NM_001853.3); short protein forms R90Q.
Identifiers: ClinVar variation 1358241 (VCV001358241.9), dbSNP rs569973034, ClinGen allele CA9949125.

ClinVar aggregate classification (germline): Conflicting classifications of pathogenicity. Review status: criteria provided, conflicting classifications (1 of 4 stars). 2 submissions from 2 submitters: Uncertain significance (1); Likely benign (1). Last evaluated 2025-11-16.

Conditions:
Inborn genetic diseases. Identifiers: MedGen C0950123, MeSH D030342.

Allele frequency attached by ClinVar (database versions not stated): ExAC 0.00002; gnomAD 0.00002 and 0.00001; gnomAD exomes 0.00002 and 0.00001; TOPMed 0.00002; 1000 Genomes Project 30x 0.00016; 1000 Genomes Project 0.00020.
gnomAD v4.1: 11 of 1,612,910 alleles (0.00068%); highest among the groups gnomAD compares: South Asian, 0.0055%; no homozygotes.

Submissions (2):

Labcorp Genetics (formerly Invitae), Labcorp
Classification: Uncertain significance. Last evaluated: 2025-11-16. Review status: criteria provided, single submitter. Criteria: Invitae Variant Classification Sherloc (09022015). Collection method: clinical testing. Allele origin: germline.
Comment: This sequence change replaces arginine, which is basic and polar, with glutamine, which is neutral and polar, at codon 90 of the COL9A3 protein (p.Arg90Gln). This variant is present in population databases (rs569973034, gnomAD 0.01%). This variant has not been reported in the literature in individuals affected with COL9A3-related conditions. ClinVar contains an entry for this variant (Variation ID: 1358241). Invitae Evidence Modeling of protein sequence and biophysical properties (such as structural, functional, and spatial information, amino acid conservation, physicochemical variation, residue mobility, and thermodynamic stability) indicates that this missense variant is not expected to disrupt COL9A3 protein function with a negative predictive value of 95%. In summary, the available evidence is currently insufficient to determine the role of this variant in disease. Therefore, it has been classified as a Variant of Uncertain Significance.

Ambry Genetics
Classification: Likely benign for Inborn genetic diseases. Last evaluated: 2024-01-17. Review status: criteria provided, single submitter. Criteria: Ambry Variant Classification Scheme 2023. Collection method: clinical testing. Allele origin: germline.